The following is an entry in ClinVar:

NM_002764.4(PRPS1):c.422C>T (p.Pro141Leu)

Gene: PRPS1 (phosphoribosyl pyrophosphate synthetase 1; plus strand). Cytogenetic location: Xq22.3.
Variant type: single nucleotide variant.
Coding change: c.422C>T on transcript NM_002764.4 (MANE Select); coding-DNA position 422, C replaced by T.
Protein change: p.Pro141Leu; replaces proline 141 with leucine.
Molecular consequence: missense variant. On other transcripts: intron variant (1).
Genome position (GRCh38, 1-based): chrX:107,642,382, C>T. VCF-style: chrX-107642382-C-T. GRCh37 (hg19) VCF-style: chrX-106885612-C-T.
Other names: c.-82-2795C>T (NM_001204402.2); short protein forms P141L.
Identifiers: ClinVar variation 800505 (VCV000800505.1), dbSNP rs1602902855, ClinGen allele CA413809457.

ClinVar aggregate classification (germline): Uncertain significance (1 of 4 stars; one submission).

Conditions:
Arts syndrome (ARTS). Also called: MENTAL RETARDATION, X-LINKED, SYNDROMIC 18; MENTAL RETARDATION, X-LINKED, SYNDROMIC, ARTS TYPE; ARTS SYNDROME AND PHOSPHORIBOSYLPYROPHOSPHATE SYNTHETASE SUPERACTIVITY. Identifiers: Orphanet 1187, MedGen C0796028, MONDO:0010533, OMIM 301835.

Submission:

Broad Center for Mendelian Genomics, Broad Institute of MIT and Harvard
Classification: Uncertain significance for Arts syndrome. Last evaluated: 2018-11-15. Review status: criteria provided, single submitter. Criteria: ACMG Guidelines, 2015. Collection method: research. Allele origin: germline. Inheritance: X-linked inheritance. Affected: yes.
Comment: This variant was absent from large population studies. Computational prediction tools and conservation analyses suggest that this variant may impact the protein, though this information is not predictive enough to determine pathogenicity. In summary, the clinical significance of the p.Pro141Leu variant is uncertain.